The following is an entry in ClinVar:

ClinVar aggregate classification (germline): Uncertain significance (1 of 4 stars; one submission).

Submission:

Labcorp Genetics (formerly Invitae), Labcorp
Classification: Uncertain significance. Last evaluated: 2025-01-02. Review status: criteria provided, single submitter. Criteria: Invitae Variant Classification Sherloc (09022015). Collection method: clinical testing. Allele origin: germline.
Comment: This sequence change replaces glycine, which is neutral and non-polar, with arginine, which is basic and polar, at codon 231 of the LIPG protein (p.Gly231Arg). This variant is not present in population databases (gnomAD no frequency). This variant has not been reported in the literature in individuals affected with LIPG-related conditions. An algorithm developed to predict the effect of missense changes on protein structure and function (PolyPhen-2) suggests that this variant is likely to be disruptive. In summary, the available evidence is currently insufficient to determine the role of this variant in disease. Therefore, it has been classified as a Variant of Uncertain Significance.

NM_006033.4(LIPG):c.691G>C (p.Gly231Arg)

Gene: LIPG (lipase G, endothelial type; plus strand). Cytogenetic location: 18q21.1.
Variant type: single nucleotide variant.
Coding change: c.691G>C on transcript NM_006033.4 (MANE Select); coding-DNA position 691, G replaced by C.
Protein change: p.Gly231Arg; replaces glycine 231 with arginine.
Molecular consequence: missense variant. On other transcripts: intron variant (1).
Genome position (GRCh38, 1-based): chr18:49,575,488, G>C. VCF-style: chr18-49575488-G-C. GRCh37 (hg19) VCF-style: chr18-47101858-G-C.
Other names: c.572-5927G>C (NM_001308006.2); short protein forms G231R.
Identifiers: ClinVar variation 3677685 (VCV003677685.2).